The following is an entry in ClinVar:

ClinVar aggregate classification (germline): Uncertain significance. Review status: criteria provided, multiple submitters, no conflicts (2 of 4 stars). 2 submissions from 2 submitters: Uncertain significance (2). Last evaluated 2025-04-11.

Conditions:
Inborn genetic diseases. Identifiers: MedGen C0950123, MeSH D030342.

gnomAD v4.1: 5 of 1,613,680 alleles (0.00031%); highest among the groups gnomAD compares: Admixed American, 0.0083%; no homozygotes.

Submissions (2):

Ambry Genetics
Classification: Uncertain significance for Inborn genetic diseases. Last evaluated: 2025-04-11. Review status: criteria provided, single submitter. Criteria: Ambry Variant Classification Scheme 2023. Collection method: clinical testing. Allele origin: germline.

Labcorp Genetics (formerly Invitae), Labcorp
Classification: Uncertain significance. Last evaluated: 2022-05-14. Review status: criteria provided, single submitter. Criteria: Invitae Variant Classification Sherloc (09022015). Collection method: clinical testing. Allele origin: germline.
Comment: In summary, the available evidence is currently insufficient to determine the role of this variant in disease. Therefore, it has been classified as a Variant of Uncertain Significance. Algorithms developed to predict the effect of missense changes on protein structure and function output the following: SIFT: "Tolerated"; PolyPhen-2: "Benign"; Align-GVGD: "Class C0". The valine amino acid residue is found in multiple mammalian species, which suggests that this missense change does not adversely affect protein function. This variant has not been reported in the literature in individuals affected with RP1-related conditions. This variant is present in population databases (rs780301238, gnomAD 0.009%). This sequence change replaces alanine, which is neutral and non-polar, with valine, which is neutral and non-polar, at codon 1792 of the RP1 protein (p.Ala1792Val).

NM_006269.2(RP1):c.5375C>T (p.Ala1792Val)

Genes: RP1 (RP1 axonemal microtubule associated; plus strand), LOC126860392 (CDK7 strongly-dependent group 2 enhancer GRCh37_chr8:55541319-55542518; plus strand). Cytogenetic location: 8q12.1.
Variant type: single nucleotide variant.
Coding change: c.5375C>T on transcript NM_006269.2 (MANE Select); coding-DNA position 5375, C replaced by T.
Protein change: p.Ala1792Val; replaces alanine 1792 with valine.
Molecular consequence: missense variant. On other transcripts: intron variant (1).
Genome position (GRCh38, 1-based): chr8:54,629,257, C>T. VCF-style: chr8-54629257-C-T. GRCh37 (hg19) VCF-style: chr8-55541817-C-T.
Other names: c.787+6969C>T (NM_001375654.1); c.5375C>T (NM_006269.1); short protein forms A1792V.
Identifiers: ClinVar variation 2191535 (VCV002191535.5), dbSNP rs780301238, ClinGen allele CA4752054.